The following is an entry in ClinVar:

ClinVar aggregate classification (germline): Uncertain significance (1 of 4 stars; one submission).

Conditions:
Familial sleep-related hypermotor epilepsy. Also called: Autosomal Dominant Sleep-Related Hypermotor (Hyperkinetic) Epilepsy. Identifiers: Orphanet 98784, MedGen C3696898, MONDO:0000030.

Allele frequency attached by ClinVar (database versions not stated): ExAC 0.00001; gnomAD 0.00003; gnomAD exomes 0.00001; TOPMed 0.00001.

Submission:

Labcorp Genetics (formerly Invitae), Labcorp
Classification: Uncertain significance. Last evaluated: 2024-02-06. Review status: criteria provided, single submitter. Criteria: Invitae Variant Classification Sherloc (09022015). Collection method: clinical testing. Allele origin: germline.
Comment: This sequence change replaces arginine, which is basic and polar, with cysteine, which is neutral and slightly polar, at codon 65 of the CHRNA4 protein (p.Arg65Cys). This variant is present in population databases (rs748440038, gnomAD 0.004%). This variant has not been reported in the literature in individuals affected with CHRNA4-related conditions. ClinVar contains an entry for this variant (Variation ID: 543520). Advanced modeling of protein sequence and biophysical properties (such as structural, functional, and spatial information, amino acid conservation, physicochemical variation, residue mobility, and thermodynamic stability) performed at Invitae indicates that this missense variant is not expected to disrupt CHRNA4 protein function with a negative predictive value of 80%. In summary, the available evidence is currently insufficient to determine the role of this variant in disease. Therefore, it has been classified as a Variant of Uncertain Significance.

NM_000744.7(CHRNA4):c.193C>T (p.Arg65Cys)

Gene: CHRNA4 (cholinergic receptor nicotinic alpha 4 subunit; minus strand). Cytogenetic location: 20q13.33.
Variant type: single nucleotide variant.
Coding change: c.193C>T on transcript NM_000744.7 (MANE Select); coding-DNA position 193, C replaced by T.
Protein change: p.Arg65Cys; replaces arginine 65 with cysteine.
Molecular consequence: missense variant. On other transcripts: 5 prime UTR variant (1), non-coding transcript variant (1).
Genome position (GRCh38, 1-based): chr20:63,359,583, G>A on the plus strand (C>T on the coding strand, the complement: CHRNA4 is on the minus strand). VCF-style: chr20-63359583-G-A. GRCh37 (hg19) VCF-style: chr20-61990935-G-A.
Other names: c.-354C>T (NM_001256573.2); short protein forms R65C.
Identifiers: ClinVar variation 543520 (VCV000543520.10), dbSNP rs748440038, ClinGen allele CA9957950.